The following is an entry in ClinVar:

NM_015001.3(SPEN):c.1166A>G (p.Gln389Arg)

Gene: SPEN (spen family transcriptional repressor; plus strand). Cytogenetic location: 1p36.13.
Variant type: single nucleotide variant.
Coding change: c.1166A>G on transcript NM_015001.3 (MANE Select); coding-DNA position 1166, A replaced by G.
Protein change: p.Gln389Arg; replaces glutamine 389 with arginine.
Molecular consequence: missense variant.
Genome position (GRCh38, 1-based): chr1:15,911,224, A>G. VCF-style: chr1-15911224-A-G. GRCh37 (hg19) VCF-style: chr1-16237719-A-G.
Other names: short protein forms Q389R.
Identifiers: ClinVar variation 2628383 (VCV002628383.1), dbSNP rs2071008828, ClinGen allele CA338612031.

ClinVar aggregate classification (germline): Uncertain significance (1 of 4 stars; one submission).

Conditions:
SPEN-related disorder. Also called: SPEN-related condition.

Allele frequency attached by ClinVar (database versions not stated): TOPMed below 0.00001.

Submission:

PreventionGenetics, part of Exact Sciences
Classification: Uncertain significance for SPEN-related condition. Last evaluated: 2022-09-29. Review status: criteria provided, single submitter. Criteria: ACMG Guidelines, 2015. Collection method: clinical testing. Allele origin: germline.
Comment: The SPEN c.1166A>G variant is predicted to result in the amino acid substitution p.Gln389Arg. To our knowledge, this variant has not been reported in the literature or in a large population database, indicating this variant is rare. At this time, the clinical significance of this variant is uncertain due to the absence of conclusive functional and genetic evidence.